The following is an entry in ClinVar:

ClinVar aggregate classification (germline): Benign. Review status: criteria provided, multiple submitters, no conflicts (2 of 4 stars). 8 submissions from 8 submitters: Benign (6). 2 of the submissions do not count toward it. Last evaluated 2026-02-02.

Conditions:
VPS13A-related neurodegenerative disease. Also called: Choreoacanthocytosis; Chorea-acanthocytosis; LEVINE-CRITCHLEY SYNDROME; Choreaacanthocytosis; ACANTHOCYTOSIS WITH NEUROLOGIC DISORDER; VPS13A Disease. Identifiers: Orphanet 2388, MedGen C0393576, MONDO:0008695, OMIM 200150.
VPS13A-related disorder. Also called: VPS13A-related condition.

Allele frequency attached by ClinVar (database versions not stated): gnomAD exomes 0.01116 and 0.01239; ExAC 0.01215; 1000 Genomes Project 30x 0.01218; 1000 Genomes Project 0.01238; gnomAD 0.01430 and 0.01458; ESP Exome Variant Server 0.01499; TOPMed 0.01515.
gnomAD v4.1: 20,276 of 1,614,108 alleles (1.3%); highest among the groups gnomAD compares: African/African-American, 2.3%; 169 homozygotes.

Submissions (8):

Labcorp Genetics (formerly Invitae), Labcorp
Classification: Benign. Last evaluated: 2026-02-02. Review status: criteria provided, single submitter. Criteria: Invitae Variant Classification Sherloc (09022015). Collection method: clinical testing. Allele origin: germline.

Mayo Clinic Laboratories, Mayo Clinic
Classification: Benign. Last evaluated: 2023-03-16. Review status: criteria provided, single submitter. Criteria: ACMG Guidelines, 2015. Collection method: clinical testing. Allele origin: germline. Observed: 19 variant alleles.
Comment: BS1, BS2, BP4, BP7

GeneDx
Classification: Benign. Last evaluated: 2020-09-28. Review status: criteria provided, single submitter. Criteria: GeneDx Variant Classification Process June 2021. Collection method: clinical testing. Allele origin: germline. Affected: yes.

Athena Diagnostics
Classification: Benign. Last evaluated: 2018-10-22. Review status: criteria provided, single submitter. Criteria: Athena Diagnostics Criteria. Collection method: clinical testing. Allele origin: germline.

Illumina Laboratory Services, Illumina
Classification: Benign for VPS13A-related neurodegenerative disease. Last evaluated: 2018-01-13. Review status: criteria provided, single submitter. Criteria: ICSL Variant Classification Criteria 13 December 2019. Collection method: clinical testing. Allele origin: germline.
Comment: This variant was observed in the ICSL laboratory as part of a predisposition screen in an ostensibly healthy population. It had not been previously curated by ICSL or reported in the Human Gene Mutation Database (HGMD: prior to June 1st, 2018), and was therefore a candidate for classification through an automated scoring system. Utilizing variant allele frequency, disease prevalence and penetrance estimates, and inheritance mode, an automated score was calculated to assess if this variant is too frequent to cause the disease. Based on the score and internal cut-off values, a variant classified as benign is not then subjected to further curation. The score for this variant resulted in a classification of benign for this disease.

Breakthrough Genomics
Classification: Benign. Review status: criteria provided, single submitter. Criteria: ACMG Guidelines, 2015. Collection method: not provided. Allele origin: germline. Inheritance: Autosomal recessive inheritance. Affected: yes.

Natera, Inc.
Classification: Benign for Choreaacanthocytosis. Last evaluated: 2019-08-29. Review status: no assertion criteria provided. Collection method: clinical testing. Allele origin: germline. Not counted in ClinVar's aggregate classification.

PreventionGenetics, part of Exact Sciences
Classification: Benign for VPS13A-related condition. Last evaluated: 2019-05-03. Review status: no assertion criteria provided. Collection method: clinical testing. Allele origin: germline. Not counted in ClinVar's aggregate classification.
Comment: This variant is classified as benign based on ACMG/AMP sequence variant interpretation guidelines (Richards et al. 2015 PMID: 25741868, with internal and published modifications).

NM_033305.3(VPS13A):c.9027A>G (p.Pro3009=)

Gene: VPS13A (vacuolar protein sorting 13 homolog A; plus strand). Cytogenetic location: 9q21.2.
Variant type: single nucleotide variant.
Coding change: c.9027A>G on transcript NM_033305.3 (MANE Select); coding-DNA position 9027, A replaced by G.
Protein change: p.Pro3009=; no amino-acid change (proline 3009 retained).
Molecular consequence: synonymous variant.
Genome position (GRCh38, 1-based): chr9:77,371,099, A>G. VCF-style: chr9-77371099-A-G. GRCh37 (hg19) VCF-style: chr9-79986015-A-G.
Other names: p.Pro3009=; c.8910A>G, p.Pro2970= (NM_001018037.2); c.9027A>G, p.Pro3009= (NM_001018038.3, NM_015186.4).
Identifiers: ClinVar variation 367427 (VCV000367427.22), dbSNP rs17081163, ClinGen allele CA5093840.